The following is an entry in ClinVar:

ClinVar aggregate classification (germline): Uncertain significance (1 of 4 stars; one submission).

Conditions:
Autosomal dominant limb-girdle muscular dystrophy type 1F (LGMDD2). Also called: Limb-girdle muscular dystrophy, type 1F; MUSCULAR DYSTROPHY, LIMB-GIRDLE, AUTOSOMAL DOMINANT 2. Identifiers: Orphanet 55595, MedGen C1842062, MONDO:0012034, OMIM 608423.

gnomAD v4.1: 2 of 1,614,060 alleles (0.00012%); highest among the groups gnomAD compares: Non-Finnish European, 0.000085%; no homozygotes.

Submission:

Labcorp Genetics (formerly Invitae), Labcorp
Classification: Uncertain significance for Autosomal dominant limb-girdle muscular dystrophy type 1F. Last evaluated: 2025-09-02. Review status: criteria provided, single submitter. Criteria: Invitae Variant Classification Sherloc (09022015). Collection method: clinical testing. Allele origin: germline.
Comment: This sequence change creates a premature translational stop signal (p.Arg531*) in the TNPO3 gene. It is expected to result in an absent or disrupted protein product. However, the current clinical and genetic evidence is not sufficient to establish whether loss-of-function variants in TNPO3 cause disease. This variant is not present in population databases (gnomAD no frequency). This variant has not been reported in the literature in individuals affected with TNPO3-related conditions. ClinVar contains an entry for this variant (Variation ID: 2166706). In summary, the available evidence is currently insufficient to determine the role of this variant in disease. Therefore, it has been classified as a Variant of Uncertain Significance.

NM_012470.4(TNPO3):c.1591C>T (p.Arg531Ter)

Gene: TNPO3 (transportin 3; minus strand). Cytogenetic location: 7q32.1.
Variant type: single nucleotide variant.
Coding change: c.1591C>T on transcript NM_012470.4 (MANE Select); coding-DNA position 1591, C replaced by T.
Protein change: p.Arg531Ter; replaces arginine 531 with a stop codon.
Molecular consequence: nonsense. On other transcripts: non-coding transcript variant (18), intron variant (2).
Genome position (GRCh38, 1-based): chr7:128,986,828, G>A on the plus strand (C>T on the coding strand, the complement: TNPO3 is on the minus strand). VCF-style: chr7-128986828-G-A. GRCh37 (hg19) VCF-style: chr7-128626882-G-A.
Other names: c.1693C>T, p.Arg565Ter (NM_001382216.1); c.1672C>T, p.Arg558Ter (NM_001382217.1); c.1591C>T, p.Arg531Ter (NM_001382218.1, NM_001382220.1); c.1483C>T, p.Arg495Ter (NM_001382219.1); c.1447C>T, p.Arg483Ter (NM_001382221.1); c.1444C>T, p.Arg482Ter (NM_001382222.1); c.1499-2569C>T (NM_001382223.1, NM_001191028.3); short protein forms R483*, R495*, R482*, R558*, R531*, R565*.
Identifiers: ClinVar variation 2166706 (VCV002166706.4), dbSNP rs1376084300, ClinGen allele CA369226348.